The following is an entry in ClinVar:

NM_018975.4(TERF2IP):c.1067C>G (p.Ala356Gly)

Gene: TERF2IP (TERF2 interacting protein; plus strand). Cytogenetic location: 16q23.1.
Variant type: single nucleotide variant.
Coding change: c.1067C>G on transcript NM_018975.4 (MANE Select); coding-DNA position 1067, C replaced by G.
Protein change: p.Ala356Gly; replaces alanine 356 with glycine.
Molecular consequence: missense variant. On other transcripts: non-coding transcript variant (1).
Genome position (GRCh38, 1-based): chr16:75,656,478, C>G. VCF-style: chr16-75656478-C-G. GRCh37 (hg19) VCF-style: chr16-75690376-C-G.
Other names: short protein forms A356G.
Identifiers: ClinVar variation 3325432 (VCV003325432.1).

ClinVar aggregate classification (germline): Uncertain significance (1 of 4 stars; one submission).

Submission:

Ambry Genetics
Classification: Uncertain significance. Last evaluated: 2024-04-14. Review status: criteria provided, single submitter. Criteria: Ambry Variant Classification Scheme 2023. Collection method: clinical testing. Allele origin: germline.
Comment: The p.A356G variant (also known as c.1067C>G), located in coding exon 3 of the TERF2IP gene, results from a C to G substitution at nucleotide position 1067. The alanine at codon 356 is replaced by glycine, an amino acid with similar properties. This amino acid position is conserved. In addition, this alteration is predicted to be tolerated by in silico analysis. Based on the available evidence, the clinical significance of this variant remains unclear.